The following is an entry in ClinVar:

ClinVar aggregate classification (germline): Uncertain significance. Review status: criteria provided, multiple submitters, no conflicts (2 of 4 stars). 2 submissions from 2 submitters: Uncertain significance (2). Last evaluated 2025-05-20.

Conditions:
Inborn genetic diseases. Identifiers: MedGen C0950123, MeSH D030342.
LBR-related disorder. Also called: LBR-related condition; LBR-related disorders.

Allele frequency attached by ClinVar (database versions not stated): gnomAD exomes 0.00001; gnomAD 0.00003; TOPMed 0.00004.
gnomAD v4.1: 12 of 1,611,418 alleles (0.00074%); highest among the groups gnomAD compares: African/African-American, 0.0067%; no homozygotes.

Submissions (2):

Ambry Genetics
Classification: Uncertain significance for Inborn genetic diseases. Last evaluated: 2025-05-20. Review status: criteria provided, single submitter. Criteria: Ambry Variant Classification Scheme 2023. Collection method: clinical testing. Allele origin: germline.

PreventionGenetics, part of Exact Sciences
Classification: Uncertain significance for LBR-related condition. Last evaluated: 2023-04-17. Review status: criteria provided, single submitter. Criteria: ACMG Guidelines, 2015. Collection method: clinical testing. Allele origin: germline.
Comment: The LBR c.1513A>G variant is predicted to result in the amino acid substitution p.Asn505Asp. To our knowledge, this variant has not been reported in the literature. This variant is reported in 0.012% of alleles in individuals of African descent in gnomAD. At this time, the clinical significance of this variant is uncertain due to the absence of conclusive functional and genetic evidence.

NM_002296.4(LBR):c.1513A>G (p.Asn505Asp)

Gene: LBR (lamin B receptor; minus strand). Cytogenetic location: 1q42.12.
Variant type: single nucleotide variant.
Coding change: c.1513A>G on transcript NM_002296.4 (MANE Select); coding-DNA position 1513, A replaced by G.
Protein change: p.Asn505Asp; replaces asparagine 505 with aspartic acid.
Molecular consequence: missense variant.
Genome position (GRCh38, 1-based): chr1:225,404,677, T>C on the plus strand (A>G on the coding strand, the complement: LBR is on the minus strand). VCF-style: chr1-225404677-T-C. GRCh37 (hg19) VCF-style: chr1-225592379-T-C.
Other names: c.1513A>G, p.Asn505Asp (NM_194442.3); short protein forms N505D.
Identifiers: ClinVar variation 2632745 (VCV002632745.2), dbSNP rs967498079, ClinGen allele CA38505727.
Genomic context (GRCh38, chr1:225,404,677, plus strand): 5'-AATACTTACGTGCAAGCTTTGGATCACTGGGATTTTTCCGGAATGCATTTTTCTGAGAAT[T>C]TGCACCTCGGAAGATTACATAACCACAAACTGCAATTTTAAAATATTTTCCTATGTTAAT-3'
Protein context (NP_002287.2, residues 495-515): LCGYVIFRGA[Asn505Asp]SQKNAFRKNP